The following is an entry in ClinVar:

ClinVar aggregate classification (germline): Uncertain significance (1 of 4 stars; one submission).

Conditions:
Inborn genetic diseases. Identifiers: MedGen C0950123, MeSH D030342.

gnomAD v4.1: 9 of 1,613,664 alleles (0.00056%); highest among the groups gnomAD compares: Non-Finnish European, 0.00068%; no homozygotes.

Submission:

Ambry Genetics
Classification: Uncertain significance for Inborn genetic diseases. Last evaluated: 2025-05-17. Review status: criteria provided, single submitter. Criteria: Ambry Variant Classification Scheme 2023. Collection method: clinical testing. Allele origin: germline.
Comment: The p.T1097A variant (also known as c.3289A>G), located in coding exon 15 of the MECOM gene, results from an A to G substitution at nucleotide position 3289. The threonine at codon 1097 is replaced by alanine, an amino acid with similar properties. This amino acid position is conserved. In addition, this alteration is predicted to be tolerated by in silico analysis. Based on the available evidence, the clinical significance of this variant remains unclear.

NM_004991.4(MECOM):c.3289A>G (p.Thr1097Ala)

Gene: MECOM (MDS1 and EVI1 complex locus; minus strand). Cytogenetic location: 3q26.2.
Variant type: single nucleotide variant.
Coding change: c.3289A>G on transcript NM_004991.4 (MANE Select); coding-DNA position 3289, A replaced by G.
Protein change: p.Thr1097Ala; replaces threonine 1097 with alanine.
Molecular consequence: missense variant.
Genome position (GRCh38, 1-based): chr3:169,090,112, T>C on the plus strand (A>G on the coding strand, the complement: MECOM is on the minus strand). VCF-style: chr3-169090112-T-C. GRCh37 (hg19) VCF-style: chr3-168807900-T-C.
Other names: c.2920A>G, p.Thr974Ala (NM_001105077.4); c.2725A>G, p.Thr909Ala (NM_001105078.4, NM_001205194.2, NM_001366469.2 and 1 more transcripts); c.2701A>G, p.Thr901Ala (NM_001163999.2, NM_001366470.2); c.2698A>G, p.Thr900Ala (NM_001164000.2, NM_001366471.2, NM_001366472.2); c.3262A>G, p.Thr1088Ala (NM_001366466.2); c.2728A>G, p.Thr910Ala (NM_001366467.2, NM_001366468.2); c.2290A>G, p.Thr764Ala (NM_001366473.2); c.1726A>G, p.Thr576Ala (NM_001366474.2); short protein forms T576A, T1088A, T1097A, T764A, T901A, T900A, T909A, T910A.
Identifiers: ClinVar variation 4053255 (VCV004053255.1).
Genomic context (GRCh38, chr3:169,090,112, plus strand): 5'-CATCCTCAGGGTTTCCTTCATGTAAATTACTTGTCACTGGTTCCTTTCCTGTTTTTCCAG[T>C]AATATCATTGTCTTCATCCTCCTCATCTAACAACACCTCATCTTCAACTTCTTCATCATC-3'
Protein context (NP_004982.2, residues 1087-1107): LDEEDEDNDI[Thr1097Ala]GKTGKEPVTS